The following is an entry in ClinVar:

NM_130839.5(UBE3A):c.409T>G (p.Cys137Gly)

Genes: SNHG14 (small nucleolar RNA host gene 14; plus strand), UBE3A (ubiquitin protein ligase E3A; minus strand). Cytogenetic location: 15q11.2.
Variant type: single nucleotide variant.
Coding change: c.409T>G on transcript NM_130839.5 (MANE Select); coding-DNA position 409, T replaced by G.
Protein change: p.Cys137Gly; replaces cysteine 137 with glycine.
Molecular consequence: missense variant. On other transcripts: non-coding transcript variant (1), intron variant (2).
Genome position (GRCh38, 1-based): chr15:25,371,765, A>C on the plus strand (T>G on the coding strand, the complement: UBE3A is on the minus strand). VCF-style: chr15-25371765-A-C. GRCh37 (hg19) VCF-style: chr15-25616912-A-C.
Other names: c.418T>G, p.Cys140Gly (NM_000462.5); c.409T>G, p.Cys137Gly (NM_001354505.1, NM_001354538.2, NM_001354545.2); c.349T>G, p.Cys117Gly (NM_001354506.2, NM_001354507.2, NM_001354508.2 and 17 more transcripts); c.232T>G, p.Cys78Gly (NM_001354546.2); c.301+3700T>G (NM_001354551.2); c.361+3700T>G (NM_001354550.2); short protein forms C117G, C137G, C140G, C78G.
Identifiers: ClinVar variation 4076288 (VCV004076288.2).
Genomic context (GRCh38, chr15:25,371,765, plus strand): 5'-CACTAGAAAAAACTCTTCCAATAACACGGATTAAAGGGGAATAATCCTCTCTTTCTCTAC[A>C]TAATTCAAGAATTTCATATACCTTCTCTTCTGTTAAGTAAGTCACATCTAGAAAATCAGA-3'
Protein context (NP_570854.1, residues 127-147): EEKVYEILEL[Cys137Gly]REREDYSPLI

ClinVar aggregate classification (germline): Conflicting classifications of pathogenicity. Review status: criteria provided, conflicting classifications (1 of 4 stars). 2 submissions from 2 submitters: Likely pathogenic (1); Uncertain significance (1). Last evaluated 2025-02-19.

Conditions:
Angelman syndrome (AS). Also called: HAPPY PUPPET SYNDROME. Identifiers: Orphanet 72, MedGen C0162635, MONDO:0007113, OMIM 105830. Disease mechanism: loss of function. Inheritance: AS is caused by disruption of maternally imprinted UBE3A located within the 15q11.2-q13 Angelman syndrome/Prader-Willi syndrome (AS/PWS) region., imprinting disorder.

Submissions (2):

Pediatric Department, Peking University First Hospital
Classification: Likely pathogenic for Angelman syndrome. Last evaluated: 2025-02-19. Review status: criteria provided, single submitter. Criteria: ACMG Guidelines, 2015. Collection method: research. Allele origin: maternal. Affected: yes.

Laboratorio de Genetica e Diagnostico Molecular, Hospital Israelita Albert Einstein
Classification: Uncertain significance for Angelman syndrome. Last evaluated: 2024-11-18. Review status: criteria provided, single submitter. Criteria: ACMG Guidelines, 2015. Collection method: clinical testing. Allele origin: germline. Affected: yes.
Comment: ACMG classification criteria: PM2 supporting